The following is an entry in ClinVar:

NM_000142.5(FGFR3):c.678C>T (p.Tyr226=)

Gene: FGFR3 (fibroblast growth factor receptor 3; plus strand). Cytogenetic location: 4p16.3.
Variant type: single nucleotide variant.
Coding change: c.678C>T on transcript NM_000142.5 (MANE Select); coding-DNA position 678, C replaced by T.
Protein change: p.Tyr226=; no amino-acid change (tyrosine 226 retained).
Molecular consequence: synonymous variant. On other transcripts: non-coding transcript variant (1).
Genome position (GRCh38, 1-based): chr4:1,801,682, C>T. VCF-style: chr4-1801682-C-T. GRCh37 (hg19) VCF-style: chr4-1803409-C-T.
Other names: c.678C>T, p.Tyr226= (NM_001163213.2, NM_001354809.2, NM_001354810.2 and 1 more transcripts).
Identifiers: ClinVar variation 198044 (VCV000198044.93), dbSNP rs141575580, ClinGen allele CA203201.
Genomic context (GRCh38, chr4:1,801,682, plus strand): 5'-GCGGCATCAGCAGTGGAGCCTGGTCATGGAAAGCGTGGTGCCCTCGGACCGCGGCAACTA[C>T]ACCTGCGTCGTGGAGAACAAGTTTGGCAGCATCCGGCAGACGTACACGCTGGACGTGCTG-3'
Protein context (NP_000133.1, residues 216-236): ESVVPSDRGN[Tyr226=]TCVVENKFGS

ClinVar aggregate classification (germline): Benign/Likely benign. Review status: criteria provided, multiple submitters, no conflicts (2 of 4 stars). 10 submissions from 10 submitters: Benign (4); Likely benign (4). 2 of the submissions do not count toward it. Last evaluated 2026-08-01.

Allele frequency attached by ClinVar (database versions not stated): 1000 Genomes Project 0.00040; 1000 Genomes Project 30x 0.00078; ESP Exome Variant Server 0.00100; gnomAD exomes 0.00128 and 0.00136; ExAC 0.00138; TOPMed 0.00138; gnomAD 0.00139 and 0.00142.
gnomAD v4.1: 2,178 of 1,611,276 alleles (0.14%); highest among the groups gnomAD compares: Admixed American, 0.22%; 8 homozygotes.

Submissions (10):

CeGaT Center for Human Genetics Tuebingen
Classification: Likely benign. Last evaluated: 2026-08-01. Review status: criteria provided, single submitter. Criteria: CeGaT Center For Human Genetics Tuebingen Variant Classification Criteria Version 2. Collection method: clinical testing. Allele origin: germline. Affected: yes. Observed: 9 variant alleles.
Comment: FGFR3: BP4, BP7

Labcorp Genetics (formerly Invitae), Labcorp
Classification: Benign. Last evaluated: 2026-02-01. Review status: criteria provided, single submitter. Criteria: Invitae Variant Classification Sherloc (09022015). Collection method: clinical testing. Allele origin: germline.

Blueprint Genetics
Classification: Likely benign. Last evaluated: 2024-11-15. Review status: criteria provided, single submitter. Criteria: ACMG Guidelines, 2015. Collection method: clinical testing. Allele origin: germline.

Athena Diagnostics
Classification: Benign. Last evaluated: 2024-09-25. Review status: criteria provided, single submitter. Criteria: Athena Diagnostics Criteria. Collection method: clinical testing. Allele origin: unknown.

ARUP Laboratories, Molecular Genetics and Genomics, ARUP Laboratories
Classification: Benign. Last evaluated: 2023-11-09. Review status: criteria provided, single submitter. Criteria: ARUP Molecular Germline Variant Investigation Process 2024. Collection method: clinical testing. Allele origin: germline.

GeneDx
Classification: Likely benign. Last evaluated: 2021-06-22. Review status: criteria provided, single submitter. Criteria: GeneDx Variant Classification Process June 2021. Collection method: clinical testing. Allele origin: germline. Affected: yes.

Eurofins Ntd Llc (ga)
Classification: Benign. Last evaluated: 2015-04-22. Review status: criteria provided, single submitter. Criteria: EGL Classification Definitions 2015. Collection method: clinical testing. Allele origin: germline. Observed: 1 variant allele.

Breakthrough Genomics
Classification: Likely benign. Review status: criteria provided, single submitter. Criteria: ACMG Guidelines, 2015. Collection method: not provided. Allele origin: germline. Inheritance: Autosomal dominant inheritance. Affected: yes.

Clinical Genetics DNA and cytogenetics Diagnostics Lab, Erasmus MC, Erasmus Medical Center
Classification: Likely benign. Review status: no assertion criteria provided. Collection method: clinical testing. Allele origin: germline. Affected: yes. Study: VKGL Data-share Consensus. Not counted in ClinVar's aggregate classification.

Laboratory of Diagnostic Genome Analysis, Leiden University Medical Center (LUMC)
Classification: Benign. Review status: no assertion criteria provided. Collection method: clinical testing. Allele origin: germline. Affected: yes. Study: VKGL Data-share Consensus. Not counted in ClinVar's aggregate classification.